The following is an entry in ClinVar:

ClinVar aggregate classification (germline): Uncertain significance (1 of 4 stars; one submission).

Conditions:
Arginine:glycine amidinotransferase deficiency (CCDS3). Also called: AGAT deficiency; Creatine deficiency syndrome due to AGAT deficiency; GATM deficiency; L-Arginine:Glycine Amidinotransferase (AGAT) Deficiency; Cerebral creatine deficiency syndrome 3; L-Arginine:Glycine Amidinotransferase Deficiency. Identifiers: Orphanet 35704, MedGen C2675179, MONDO:0012996, OMIM 612718.

Submission:

Labcorp Genetics (formerly Invitae), Labcorp
Classification: Uncertain significance for Arginine:glycine amidinotransferase deficiency. Last evaluated: 2022-07-06. Review status: criteria provided, single submitter. Criteria: Invitae Variant Classification Sherloc (09022015). Collection method: clinical testing. Allele origin: germline.
Comment: This sequence change replaces aspartic acid, which is acidic and polar, with asparagine, which is neutral and polar, at codon 73 of the GATM protein (p.Asp73Asn). This variant is not present in population databases (gnomAD no frequency). Algorithms developed to predict the effect of missense changes on protein structure and function are either unavailable or do not agree on the potential impact of this missense change (SIFT: "Deleterious"; PolyPhen-2: "Probably Damaging"; Align-GVGD: "Class C0"). This variant has not been reported in the literature in individuals affected with GATM-related conditions. ClinVar contains an entry for this variant (Variation ID: 838032). In summary, the available evidence is currently insufficient to determine the role of this variant in disease. Therefore, it has been classified as a Variant of Uncertain Significance.

NM_001482.3(GATM):c.217G>A (p.Asp73Asn)

Gene: GATM (glycine amidinotransferase; minus strand). Cytogenetic location: 15q21.1.
Variant type: single nucleotide variant.
Coding change: c.217G>A on transcript NM_001482.3 (MANE Select); coding-DNA position 217, G replaced by A.
Protein change: p.Asp73Asn; replaces aspartic acid 73 with asparagine.
Molecular consequence: missense variant. On other transcripts: 5 prime UTR variant (1).
Genome position (GRCh38, 1-based): chr15:45,376,672, C>T on the plus strand (G>A on the coding strand, the complement: GATM is on the minus strand). VCF-style: chr15-45376672-C-T. GRCh37 (hg19) VCF-style: chr15-45668870-C-T.
Other names: c.-171G>A (NM_001321015.2); short protein forms D73N.
Identifiers: ClinVar variation 838032 (VCV000838032.9), dbSNP rs1889642061, ClinGen allele CA392265197.